The following is an entry in ClinVar:

NM_177438.3(DICER1):c.1725C>A (p.Asp575Glu)

Gene: DICER1 (dicer 1, ribonuclease III; minus strand). Cytogenetic location: 14q32.13.
Variant type: single nucleotide variant.
Coding change: c.1725C>A on transcript NM_177438.3 (MANE Select); coding-DNA position 1725, C replaced by A.
Protein change: p.Asp575Glu; replaces aspartic acid 575 with glutamic acid.
Molecular consequence: missense variant.
Genome position (GRCh38, 1-based): chr14:95,116,480, G>T on the plus strand (C>A on the coding strand, the complement: DICER1 is on the minus strand). VCF-style: chr14-95116480-G-T. GRCh37 (hg19) VCF-style: chr14-95582817-G-T.
Other names: c.1725C>A, p.Asp575Glu (NM_001195573.1, NM_001271282.3, NM_001291628.2 and 1 more transcripts); short protein forms D575E.
Identifiers: ClinVar variation 412170 (VCV000412170.13), dbSNP rs1060503652, ClinGen allele CA16614548.

ClinVar aggregate classification (germline): Conflicting classifications of pathogenicity. Review status: criteria provided, conflicting classifications (1 of 4 stars). 4 submissions from 4 submitters: Uncertain significance (3); Likely benign (1). Last evaluated 2025-02-12.

Conditions:
Global developmental delay - lung cysts - overgrowth - Wilms tumor syndrome. Also called: GLOW Syndrome; GLOBAL DEVELOPMENTAL DELAY, LUNG CYSTS, OVERGROWTH, AND WILMS TUMOR. Identifiers: Orphanet 404476, MedGen C4748924, MONDO:0018445, OMIM 618272.
DICER1-related tumor predisposition. Also called: DICER1-related pleuropulmonary blastoma cancer predisposition syndrome; DICER1 syndrome. Identifiers: Orphanet 284343, MedGen C3839822, MONDO:0100216.
Hereditary cancer-predisposing syndrome. Also called: Hereditary neoplastic syndrome; Neoplastic Syndromes, Hereditary; Tumor predisposition; Hereditary Cancer Syndrome. Identifiers: Orphanet 140162, MedGen C0027672, MeSH D009386, MONDO:0015356.

Submissions (4):

Labcorp Genetics (formerly Invitae), Labcorp
Classification: Uncertain significance for DICER1-related tumor predisposition. Last evaluated: 2025-02-12. Review status: criteria provided, single submitter. Criteria: Invitae Variant Classification Sherloc (09022015). Collection method: clinical testing. Allele origin: germline.
Comment: This sequence change replaces aspartic acid, which is acidic and polar, with glutamic acid, which is acidic and polar, at codon 575 of the DICER1 protein (p.Asp575Glu). This variant is not present in population databases (gnomAD no frequency). This variant has not been reported in the literature in individuals affected with DICER1-related conditions. ClinVar contains an entry for this variant (Variation ID: 412170). Invitae Evidence Modeling of protein sequence and biophysical properties (such as structural, functional, and spatial information, amino acid conservation, physicochemical variation, residue mobility, and thermodynamic stability) indicates that this missense variant is not expected to disrupt DICER1 protein function with a negative predictive value of 95%. In summary, the available evidence is currently insufficient to determine the role of this variant in disease. Therefore, it has been classified as a Variant of Uncertain Significance.

Quest Diagnostics Nichols Institute San Juan Capistrano
Classification: Uncertain significance. Last evaluated: 2024-07-03. Review status: criteria provided, single submitter. Criteria: Quest Diagnostics criteria. Collection method: clinical testing. Allele origin: unknown.
Comment: The DICER1 c.1725C>A (p.Asp575Glu) variant has not been reported in individuals with DICER1-related conditions in the published literature. It also has not been reported in large, multi-ethnic general populations (Genome Aggregation Database). Analysis of this variant using bioinformatics tools for the prediction of the effect of amino acid changes on protein structure and function yielded predictions that this variant is damaging. Based on the available information, we are unable to determine the clinical significance of this variant.

Ambry Genetics
Classification: Likely benign for Hereditary cancer-predisposing syndrome. Last evaluated: 2024-06-25. Review status: criteria provided, single submitter. Criteria: Ambry Variant Classification Scheme 2023. Collection method: clinical testing. Allele origin: germline.

Baylor Genetics
Classification: Uncertain significance for Global developmental delay - lung cysts - overgrowth - Wilms tumor syndrome. Last evaluated: 2024-03-25. Review status: criteria provided, single submitter. Criteria: ACMG Guidelines, 2015. Collection method: clinical testing. Allele origin: unknown.